The following is an entry in ClinVar:

NM_002609.4(PDGFRB):c.1777T>C (p.Trp593Arg)

Gene: PDGFRB (platelet derived growth factor receptor beta; minus strand). Cytogenetic location: 5q32.
Variant type: single nucleotide variant.
Coding change: c.1777T>C on transcript NM_002609.4 (MANE Select); coding-DNA position 1777, T replaced by C.
Protein change: p.Trp593Arg; replaces tryptophan 593 with arginine.
Molecular consequence: missense variant.
Genome position (GRCh38, 1-based): chr5:150,125,475, A>G on the plus strand (T>C on the coding strand, the complement: PDGFRB is on the minus strand). VCF-style: chr5-150125475-A-G. GRCh37 (hg19) VCF-style: chr5-149505038-A-G.
Other names: c.1585T>C, p.Trp529Arg (NM_001355016.2); c.1294T>C, p.Trp432Arg (NM_001355017.2); short protein forms W432R, W529R, W593R.
Identifiers: ClinVar variation 656806 (VCV000656806.9), dbSNP rs770027941, ClinGen allele CA3507877.

ClinVar aggregate classification (germline): Uncertain significance (1 of 4 stars; one submission).

Conditions:
Basal ganglia calcification, idiopathic, 4 (PFBC4). Also called: PRIMARY FAMILIAL BRAIN CALCIFICATION 4, AUTOSOMAL DOMINANT; Familial Idiopathic Basal Ganglia Calcification 4. Identifiers: Orphanet 1980, MedGen C3554321, MONDO:0014004, OMIM 615007.
Infantile myofibromatosis (IMF). Also called: Congenital generalized fibromatosis. Identifiers: Orphanet 2591, MedGen C0432284, MONDO:0016824.
Acroosteolysis-keloid-like lesions-premature aging syndrome. Also called: Progeroid syndrome, Penttinen type; Premature aging syndrome, Penttinen type; Prematurely aged appearance, delayed bone maturation, acro-osteolysis, and brachydactyly. Identifiers: Orphanet 363665, MedGen C1866182, MONDO:0011150, OMIM 601812.
Skeletal overgrowth-craniofacial dysmorphism-hyperelastic skin-white matter lesions syndrome. Also called: SKELETAL OVERGROWTH WITH FACIAL DYSMORPHISM, HYPERELASTIC SKIN, WHITE MATTER LESIONS, AND NEUROLOGIC DETERIORATION; Kosaki overgrowth syndrome. Identifiers: Orphanet 477831, MedGen C4225270, MONDO:0014704, OMIM 616592.

Allele frequency attached by ClinVar (database versions not stated): ExAC 0.00001; gnomAD exomes 0.00001.
gnomAD v4.1: 11 of 1,613,112 alleles (0.00068%); highest among the groups gnomAD compares: Non-Finnish European, 0.00093%; no homozygotes.

Submission:

Labcorp Genetics (formerly Invitae), Labcorp
Classification: Uncertain significance for Basal ganglia calcification, idiopathic, 4; Skeletal overgrowth-craniofacial dysmorphism-hyperelastic skin-white matter lesions syndrome; Infantile myofibromatosis; Acroosteolysis-keloid-like lesions-premature aging syndrome. Last evaluated: 2018-07-01. Review status: criteria provided, single submitter. Criteria: Invitae Variant Classification Sherloc (09022015). Collection method: clinical testing. Allele origin: germline.
Comment: This sequence change replaces tryptophan with arginine at codon 593 of the PDGFRB protein (p.Trp593Arg). The tryptophan residue is highly conserved and there is a moderate physicochemical difference between tryptophan and arginine. The frequency data for this variant in the population databases is considered unreliable, as metrics indicate poor data quality at this position in the ExAC database. This variant has not been reported in the literature in individuals with PDGFRB-related disease. Algorithms developed to predict the effect of missense changes on protein structure and function are either unavailable or do not agree on the potential impact of this missense change (SIFT: "Deleterious"; PolyPhen-2: "Probably Damaging"; Align-GVGD: "Class C0"). In summary, the available evidence is currently insufficient to determine the role of this variant in disease. Therefore, it has been classified as a Variant of Uncertain Significance.